The following is an entry in ClinVar:

NM_007294.4(BRCA1):c.5186T>G (p.Leu1729Arg)

Gene: BRCA1 (BRCA1 DNA repair associated; minus strand). Cytogenetic location: 17q21.31.
Variant type: single nucleotide variant.
Coding change: c.5186T>G on transcript NM_007294.4 (MANE Select); coding-DNA position 5186, T replaced by G.
Protein change: p.Leu1729Arg; replaces leucine 1729 with arginine.
Molecular consequence: missense variant. On other transcripts: non-coding transcript variant (1).
Genome position (GRCh38, 1-based): chr17:43,063,340, A>C on the plus strand (T>G on the coding strand, the complement: BRCA1 is on the minus strand). VCF-style: chr17-43063340-A-C. GRCh37 (hg19) VCF-style: chr17-41215357-A-C.
Other names: c.4973T>G, p.Leu1658Arg (NM_001407571.1, NM_001407900.1, NM_001407902.1 and 12 more transcripts); c.5252T>G, p.Leu1751Arg (NM_001407581.1, NM_001407582.1); c.5249T>G, p.Leu1750Arg (NM_001407583.1, NM_001407585.1, NM_001407587.1 and 1 more transcripts); c.5246T>G, p.Leu1749Arg (NM_001407590.1, NM_001407591.1); c.5186T>G, p.Leu1729Arg (NM_001407593.1, NM_001407594.1, NM_001407596.1 and 7 more transcripts); c.5183T>G, p.Leu1728Arg (NM_001407610.1, NM_001407611.1, NM_001407612.1 and 17 more transcripts); c.5180T>G, p.Leu1727Arg (NM_001407629.1, NM_001407630.1, NM_001407631.1 and 14 more transcripts); c.5126T>G, p.Leu1709Arg (NM_001407649.1); and 72 more; short protein forms L1682R, L1729R, L1750R, L625R, L1662R, L1685R, L1702R, L1709R.
Identifiers: ClinVar variation 868121 (VCV000868121.3), dbSNP rs730881496, ClinGen allele CA10591168.

Conditions:
Breast-ovarian cancer, familial, susceptibility to, 1 (BROVCA1). Also called: BRCA1 Hereditary Breast and Ovarian Cancer; OVARIAN CANCER, SUSCEPTIBILITY TO. Identifiers: Orphanet 145, MedGen C2676676, MONDO:0011450, OMIM 604370. Disease mechanism: loss of function.

gnomAD v4.1: 2 of 1,610,158 alleles (0.00012%); highest among the groups gnomAD compares: African/African-American, 0.0027%; no homozygotes.

Submission:

Brotman Baty Institute, University of Washington
No classification provided (evidence only). Condition: Breast-ovarian cancer, familial 1. Review status: no classification provided. Collection method: in vitro. Allele origin: not applicable. Functional consequence: functionally_normal.
ClinVar note: "not provided" was previously submitted as the classification for the variant. However, the classification appeared to be based only on an observation of functional data so it was converted to no classification on 2025-07-30.